The following is an entry in ClinVar:

ClinVar aggregate classification (germline): Uncertain significance (1 of 4 stars; one submission).

Submission:

Labcorp Genetics (formerly Invitae), Labcorp
Classification: Uncertain significance. Last evaluated: 2023-08-17. Review status: criteria provided, single submitter. Criteria: Invitae Variant Classification Sherloc (09022015). Collection method: clinical testing. Allele origin: germline.
Comment: This variant has not been reported in the literature in individuals affected with TNFRSF6B-related conditions. This variant is not present in population databases (gnomAD no frequency). This sequence change replaces glycine, which is neutral and non-polar, with arginine, which is basic and polar, at codon 44 of the TNFRSF6B protein (p.Gly44Arg). Algorithms developed to predict the effect of missense changes on protein structure and function output the following: SIFT: "Not Available"; PolyPhen-2: "Benign"; Align-GVGD: "Not Available". The arginine amino acid residue is found in multiple mammalian species, which suggests that this missense change does not adversely affect protein function. In summary, the available evidence is currently insufficient to determine the role of this variant in disease. Therefore, it has been classified as a Variant of Uncertain Significance.

NM_003823.4(TNFRSF6B):c.130G>A (p.Gly44Arg)

Genes: RTEL1-TNFRSF6B (RTEL1-TNFRSF6B readthrough (NMD candidate); plus strand), TNFRSF6B (TNF receptor superfamily member 6b; plus strand). Cytogenetic location: 20q13.33.
Variant type: single nucleotide variant.
Coding change: c.130G>A on transcript NM_003823.4 (MANE Select); coding-DNA position 130, G replaced by A.
Protein change: p.Gly44Arg; replaces glycine 44 with arginine.
Molecular consequence: missense variant. On other transcripts: non-coding transcript variant (1).
Genome position (GRCh38, 1-based): chr20:63,696,897, G>A. VCF-style: chr20-63696897-G-A. GRCh37 (hg19) VCF-style: chr20-62328250-G-A.
Other names: short protein forms G44R.
Identifiers: ClinVar variation 2857651 (VCV002857651.3), dbSNP rs1251326230, ClinGen allele CA409710817.